The following is an entry in ClinVar:

ClinVar aggregate classification (germline): Uncertain significance. Review status: criteria provided, multiple submitters, no conflicts (2 of 4 stars). 2 submissions from 2 submitters: Uncertain significance (2). Last evaluated 2023-11-27.

Allele frequency attached by ClinVar (database versions not stated): TOPMed 0.00002.
gnomAD v4.1: 13 of 1,614,008 alleles (0.00081%); highest among the groups gnomAD compares: African/African-American, 0.0013%; no homozygotes.

Submissions (2):

Ambry Genetics
Classification: Uncertain significance. Last evaluated: 2023-11-27. Review status: criteria provided, single submitter. Criteria: Ambry Variant Classification Scheme 2023. Collection method: clinical testing. Allele origin: germline.

Labcorp Genetics (formerly Invitae), Labcorp
Classification: Uncertain significance. Last evaluated: 2022-03-04. Review status: criteria provided, single submitter. Criteria: Invitae Variant Classification Sherloc (09022015). Collection method: clinical testing. Allele origin: germline.
Comment: This variant is present in population databases (no rsID available, gnomAD 0.0009%). This sequence change replaces threonine, which is neutral and polar, with methionine, which is neutral and non-polar, at codon 143 of the NDUFAF1 protein (p.Thr143Met). This variant has not been reported in the literature in individuals affected with NDUFAF1-related conditions. Algorithms developed to predict the effect of missense changes on protein structure and function output the following: SIFT: "Deleterious"; PolyPhen-2: "Benign"; Align-GVGD: "Class C15". The methionine amino acid residue is found in multiple mammalian species, which suggests that this missense change does not adversely affect protein function. In summary, the available evidence is currently insufficient to determine the role of this variant in disease. Therefore, it has been classified as a Variant of Uncertain Significance.

NM_016013.4(NDUFAF1):c.428C>T (p.Thr143Met)

Gene: NDUFAF1 (NADH:ubiquinone oxidoreductase complex assembly factor 1; minus strand). Cytogenetic location: 15q15.1.
Variant type: single nucleotide variant.
Coding change: c.428C>T on transcript NM_016013.4 (MANE Select); coding-DNA position 428, C replaced by T.
Protein change: p.Thr143Met; replaces threonine 143 with methionine.
Molecular consequence: missense variant. On other transcripts: non-coding transcript variant (1).
Genome position (GRCh38, 1-based): chr15:41,396,632, G>A on the plus strand (C>T on the coding strand, the complement: NDUFAF1 is on the minus strand). VCF-style: chr15-41396632-G-A. GRCh37 (hg19) VCF-style: chr15-41688830-G-A.
Other names: c.428C>T (NM_016013.2); short protein forms T143M.
Identifiers: ClinVar variation 2182238 (VCV002182238.5), dbSNP rs1360791398, ClinGen allele CA391810078.